The following is an entry in ClinVar:

ClinVar aggregate classification (germline): Likely pathogenic (1 of 4 stars; one submission).

Conditions:
TTC8-related disorder. Also called: TTC8-related condition.

Submission:

PreventionGenetics, part of Exact Sciences
Classification: Likely pathogenic for TTC8-related condition. Last evaluated: 2026-06-10. Review status: criteria provided, single submitter. Criteria: ACMG Guidelines, 2015. Collection method: clinical testing. Allele origin: germline.
Comment: The TTC8 c.749C>A variant is predicted to result in premature protein termination (p.Ser250*). To our knowledge, this variant has not been reported in the literature or in a large population database (gnomAD), indicating this variant is rare. Nonsense variants in TTC8 are expected to be pathogenic. This variant is interpreted as likely pathogenic.

NM_144596.4(TTC8):c.749C>A (p.Ser250Ter)

Gene: TTC8 (tetratricopeptide repeat domain 8; plus strand). Cytogenetic location: 14q31.3.
Variant type: single nucleotide variant.
Coding change: c.749C>A on transcript NM_144596.4 (MANE Select); coding-DNA position 749, C replaced by A.
Protein change: p.Ser250Ter; replaces serine 250 with a stop codon.
Molecular consequence: nonsense. On other transcripts: non-coding transcript variant (1).
Genome position (GRCh38, 1-based): chr14:88,857,228, C>A. VCF-style: chr14-88857228-C-A. GRCh37 (hg19) VCF-style: chr14-89323572-C-A.
Other names: c.797C>A, p.Ser266Ter (NM_001288781.1); c.155C>A, p.Ser52Ter (NM_001288782.1); c.32C>A, p.Ser11Ter (NM_001288783.1); c.719C>A, p.Ser240Ter (NM_001366535.2, NM_198309.3); c.629C>A, p.Ser210Ter (NM_001366536.2, NM_198310.3); short protein forms S250*, S11*, S240*, S210*, S266*, S52*.
Identifiers: ClinVar variation 4984875 (VCV004984875.1).
Genomic context (GRCh38, chr14:88,857,228, plus strand): 5'-TTCTTAAAATTGCTATTTGTAGGTTGGGAATGTATCGTGAAGCAGAAAAACAGTTTAAAT[C>A]AGCCCTGAAGCAGCAGGAAATGGTAGATACATTTCTGTACTTGGCAAAAGTAAGTAAATC-3'